The following is an entry in ClinVar:

ClinVar aggregate classification (germline): Uncertain significance (1 of 4 stars; one submission).

Allele frequency attached by ClinVar (database versions not stated): gnomAD exomes below 0.00001.

Submission:

Labcorp Genetics (formerly Invitae), Labcorp
Classification: Uncertain significance. Last evaluated: 2020-06-15. Review status: criteria provided, single submitter. Criteria: Invitae Variant Classification Sherloc (09022015). Collection method: clinical testing. Allele origin: germline.
Comment: In summary, the available evidence is currently insufficient to determine the role of this variant in disease. Therefore, it has been classified as a Variant of Uncertain Significance. Algorithms developed to predict the effect of missense changes on protein structure and function are either unavailable or do not agree on the potential impact of this missense change (SIFT: "Deleterious"; PolyPhen-2: "Probably Damaging"; Align-GVGD: "Class C0"). This variant has not been reported in the literature in individuals with FH-related conditions. This variant is not present in population databases (ExAC no frequency). This sequence change replaces asparagine with lysine at codon 390 of the FH protein (p.Asn390Lys). The asparagine residue is highly conserved and there is a moderate physicochemical difference between asparagine and lysine.

NM_000143.4(FH):c.1170C>G (p.Asn390Lys)

Gene: FH (fumarate hydratase; minus strand). Cytogenetic location: 1q43.
Variant type: single nucleotide variant.
Coding change: c.1170C>G on transcript NM_000143.4 (MANE Select); coding-DNA position 1170, C replaced by G.
Protein change: p.Asn390Lys; replaces asparagine 390 with lysine.
Molecular consequence: missense variant.
Genome position (GRCh38, 1-based): chr1:241,502,509, G>C on the plus strand (C>G on the coding strand, the complement: FH is on the minus strand). VCF-style: chr1-241502509-G-C. GRCh37 (hg19) VCF-style: chr1-241665809-G-C.
Other names: short protein forms N390K.
Identifiers: ClinVar variation 1035191 (VCV001035191.9), dbSNP rs1659806898, ClinGen allele CA345437441.